The following is an entry in ClinVar:

ClinVar aggregate classification (germline): Uncertain significance. Review status: criteria provided, multiple submitters, no conflicts (2 of 4 stars). 3 submissions from 3 submitters: Uncertain significance (3). Last evaluated 2025-11-21.

Conditions:
Inborn genetic diseases. Identifiers: MedGen C0950123, MeSH D030342.
FIG4-related disorder. Also called: FIG4-related disorders; FIG4-related condition.
Charcot-Marie-Tooth disease type 4. Also called: Charcot-Marie-Tooth, Type 4; Charcot-Marie-Tooth disease, type IV. Identifiers: Orphanet 64749, MedGen C4082197, MONDO:0018995.

Allele frequency attached by ClinVar (database versions not stated): TOPMed below 0.00001; ExAC 0.00001; gnomAD exomes 0.00001 and 0.00002.
gnomAD v4.1: 7 of 1,605,662 alleles (0.00044%); highest among the groups gnomAD compares: Admixed American, 0.012%; no homozygotes.

Submissions (3):

Labcorp Genetics (formerly Invitae), Labcorp
Classification: Uncertain significance for Charcot-Marie-Tooth disease type 4. Last evaluated: 2025-11-21. Review status: criteria provided, single submitter. Criteria: Invitae Variant Classification Sherloc (09022015). Collection method: clinical testing. Allele origin: germline.
Comment: This sequence change replaces tyrosine, which is neutral and polar, with cysteine, which is neutral and slightly polar, at codon 36 of the FIG4 protein (p.Tyr36Cys). This variant is present in population databases (rs760770423, gnomAD 0.01%). This variant has not been reported in the literature in individuals affected with FIG4-related conditions. ClinVar contains an entry for this variant (Variation ID: 1504666). An algorithm developed to predict the effect of missense changes on protein structure and function (PolyPhen-2) suggests that this variant is likely to be disruptive. In summary, the available evidence is currently insufficient to determine the role of this variant in disease. Therefore, it has been classified as a Variant of Uncertain Significance.

Ambry Genetics
Classification: Uncertain significance for Inborn genetic diseases. Last evaluated: 2025-03-26. Review status: criteria provided, single submitter. Criteria: Ambry Variant Classification Scheme 2023. Collection method: clinical testing. Allele origin: germline.

PreventionGenetics, part of Exact Sciences
Classification: Uncertain significance for FIG4-related condition. Last evaluated: 2023-08-23. Review status: criteria provided, single submitter. Criteria: ACMG Guidelines, 2015. Collection method: clinical testing. Allele origin: germline.
Comment: The FIG4 c.107A>G variant is predicted to result in the amino acid substitution p.Tyr36Cys. To our knowledge, this variant has not been reported in the literature. This variant is reported in 0.014% of alleles in individuals of Latino descent in gnomAD. At this time, the clinical significance of this variant is uncertain due to the absence of conclusive functional and genetic evidence.

NM_014845.6(FIG4):c.107A>G (p.Tyr36Cys)

Gene: FIG4 (FIG4 phosphoinositide 5-phosphatase; plus strand). Cytogenetic location: 6q21.
Variant type: single nucleotide variant.
Coding change: c.107A>G on transcript NM_014845.6 (MANE Select); coding-DNA position 107, A replaced by G.
Protein change: p.Tyr36Cys; replaces tyrosine 36 with cysteine.
Molecular consequence: missense variant.
Genome position (GRCh38, 1-based): chr6:109,715,118, A>G. VCF-style: chr6-109715118-A-G. GRCh37 (hg19) VCF-style: chr6-110036321-A-G.
Other names: c.107A>G (NM_014845.5); short protein forms Y36C.
Identifiers: ClinVar variation 1504666 (VCV001504666.7), dbSNP rs760770423, ClinGen allele CA3955673.